The following is an entry in ClinVar:

ClinVar aggregate classification (germline): Uncertain significance (1 of 4 stars; one submission).

gnomAD v4.1: 2 of 1,599,812 alleles (0.00013%); highest among the groups gnomAD compares: Admixed American, 0.0033%; no homozygotes.

Submission:

GeneDx
Classification: Uncertain significance. Last evaluated: 2025-03-14. Review status: criteria provided, single submitter. Criteria: GeneDx Variant Classification Process June 2021. Collection method: clinical testing. Allele origin: germline. Affected: yes.
Comment: Not observed at significant frequency in large population cohorts (gnomAD); In silico analysis indicates that this missense variant does not alter protein structure/function; Has not been previously published as pathogenic or benign to our knowledge; Reported using an alternate transcript of the gene

NM_153676.4(USH1C):c.1570C>A (p.Pro524Thr)

Gene: USH1C (USH1 protein network component harmonin; minus strand). Cytogenetic location: 11p15.1.
Variant type: single nucleotide variant.
Coding change: c.1570C>A on transcript NM_153676.4 (MANE Select); coding-DNA position 1570, C replaced by A.
Protein change: p.Pro524Thr; replaces proline 524 with threonine.
Molecular consequence: missense variant. On other transcripts: intron variant (11).
Genome position (GRCh38, 1-based): chr11:17,509,799, G>T on the plus strand (C>A on the coding strand, the complement: USH1C is on the minus strand). VCF-style: chr11-17509799-G-T. GRCh37 (hg19) VCF-style: chr11-17531346-G-T.
Other names: c.1413+2103C>A (NM_001440681.1); c.1284+7602C>A (NM_001440685.1, NM_005709.4, NM_001440682.1); c.1285-5102C>A (NM_001440683.1); c.1437+2103C>A (NM_001440680.1); c.1260+7602C>A (NM_001440686.1); c.1317+7602C>A (NM_001440684.1); c.1470+2103C>A (NM_001440679.1); c.1227+7602C>A (NM_001297764.2); and 1 more; short protein forms P524T.
Identifiers: ClinVar variation 4083437 (VCV004083437.1).